The following is an entry in ClinVar:

ClinVar aggregate classification (germline): Uncertain significance. Review status: criteria provided, single submitter (1 of 4 stars). 2 submissions from 2 submitters: Uncertain significance (1). 1 of the submissions does not count toward it. Last evaluated 2024-08-31.

Conditions:
Sialuria. Also called: SIALURIA, FRENCH TYPE; Sialic Acid Storage Disease. Identifiers: Orphanet 3166, MedGen C0342853, MONDO:0010028, OMIM 269921.
GNE myopathy (NM). Also called: NONAKA DISTAL MYOPATHY; INCLUSION BODY MYOPATHY, HEREDITARY, AUTOSOMAL RECESSIVE; INCLUSION BODY MYOPATHY 2, AUTOSOMAL RECESSIVE; MYOPATHY, DISTAL, WITH OR WITHOUT RIMMED VACUOLES; IBM 2; Inclusion body myopathy autosomal recessive. Identifiers: Orphanet 602, MedGen C1853926, MONDO:0011603, OMIM 605820.

Submissions (2):

Labcorp Genetics (formerly Invitae), Labcorp
Classification: Uncertain significance for Sialuria; GNE myopathy. Last evaluated: 2024-08-31. Review status: criteria provided, single submitter. Criteria: Invitae Variant Classification Sherloc (09022015). Collection method: clinical testing. Allele origin: germline.
Comment: This sequence change replaces isoleucine, which is neutral and non-polar, with methionine, which is neutral and non-polar, at codon 523 of the GNE protein (p.Ile523Met). This variant is not present in population databases (gnomAD no frequency). This variant has not been reported in the literature in individuals affected with GNE-related conditions. Invitae Evidence Modeling of protein sequence and biophysical properties (such as structural, functional, and spatial information, amino acid conservation, physicochemical variation, residue mobility, and thermodynamic stability) has been performed for this missense variant. However, the output from this modeling did not meet the statistical confidence thresholds required to predict the impact of this variant on GNE protein function. In summary, the available evidence is currently insufficient to determine the role of this variant in disease. Therefore, it has been classified as a Variant of Uncertain Significance.

Natera, Inc.
Classification: Uncertain significance for Nonaka myopathy. Last evaluated: 2025-03-31. Review status: no assertion criteria provided. Collection method: clinical testing. Allele origin: germline. Not counted in ClinVar's aggregate classification.

NM_005476.7(GNE):c.1476C>G (p.Ile492Met)

Gene: GNE (glucosamine (UDP-N-acetyl)-2-epimerase/N-acetylmannosamine kinase; minus strand). Cytogenetic location: 9p13.3.
Variant type: single nucleotide variant.
Coding change: c.1476C>G on transcript NM_005476.7 (MANE Select); coding-DNA position 1476, C replaced by G.
Protein change: p.Ile492Met; replaces isoleucine 492 with methionine.
Molecular consequence: missense variant. On other transcripts: intron variant (1).
Genome position (GRCh38, 1-based): chr9:36,222,934, G>C on the plus strand (C>G on the coding strand, the complement: GNE is on the minus strand). VCF-style: chr9-36222934-G-C. GRCh37 (hg19) VCF-style: chr9-36222931-G-C.
Other names: c.1569C>G (NM_001128227.2); c.1569C>G, p.Ile523Met (NM_001128227.3); c.1146C>G, p.Ile382Met (NM_001190384.3); c.1299C>G, p.Ile433Met (NM_001190388.2, NM_001374798.1); c.1323C>G, p.Ile441Met (NM_001374797.1); c.1411+439C>G (NM_001190383.3); short protein forms I382M, I433M, I441M, I492M, I523M.
Identifiers: ClinVar variation 3757698 (VCV003757698.3).